The following is an entry in ClinVar:

NM_019112.4(ABCA7):c.5037G>A (p.Glu1679=)

Gene: ABCA7 (ATP binding cassette subfamily A member 7; plus strand). Cytogenetic location: 19p13.3.
Variant type: single nucleotide variant.
Coding change: c.5037G>A on transcript NM_019112.4 (MANE Select); coding-DNA position 5037, G replaced by A.
Protein change: p.Glu1679=; no amino-acid change (glutamic acid 1679 retained).
Molecular consequence: synonymous variant.
Genome position (GRCh38, 1-based): chr19:1,058,157, G>A. VCF-style: chr19-1058157-G-A. GRCh37 (hg19) VCF-style: chr19-1058156-G-A.
Identifiers: ClinVar variation 444441 (VCV000444441.31), dbSNP rs115536223, ClinGen allele CA9034698.

ClinVar aggregate classification (germline): Benign/Likely benign. Review status: criteria provided, multiple submitters, no conflicts (2 of 4 stars). 3 submissions from 3 submitters: Benign (1); Likely benign (2). Last evaluated 2024-04-11.

Allele frequency attached by ClinVar (database versions not stated): gnomAD exomes 0.00023 and 0.00065; ExAC 0.00078; 1000 Genomes Project 0.00220; gnomAD 0.00250 and 0.00271; TOPMed 0.00263; 1000 Genomes Project 30x 0.00265; ESP Exome Variant Server 0.00308.

Submissions (3):

Blueprint Genetics
Classification: Likely benign. Last evaluated: 2024-04-11. Review status: criteria provided, single submitter. Criteria: ACMG Guidelines, 2015. Collection method: clinical testing. Allele origin: germline.

CeGaT Center for Human Genetics Tuebingen
Classification: Likely benign. Last evaluated: 2022-08-01. Review status: criteria provided, single submitter. Criteria: CeGaT Center For Human Genetics Tuebingen Variant Classification Criteria Version 2. Collection method: clinical testing. Allele origin: germline. Affected: yes. Observed: 1 variant allele.
Comment: ABCA7: BP4, BP7

Labcorp Genetics (formerly Invitae), Labcorp
Classification: Benign. Last evaluated: 2019-12-31. Review status: criteria provided, single submitter. Criteria: Invitae Variant Classification Sherloc (09022015). Collection method: clinical testing. Allele origin: germline.